The following is an entry in ClinVar:

NM_031935.3(HMCN1):c.3474T>A (p.Asn1158Lys)

Gene: HMCN1 (hemicentin 1; plus strand). Cytogenetic location: 1q31.1.
Variant type: single nucleotide variant.
Coding change: c.3474T>A on transcript NM_031935.3 (MANE Select); coding-DNA position 3474, T replaced by A.
Protein change: p.Asn1158Lys; replaces asparagine 1158 with lysine.
Molecular consequence: missense variant.
Genome position (GRCh38, 1-based): chr1:185,993,278, T>A. VCF-style: chr1-185993278-T-A. GRCh37 (hg19) VCF-style: chr1-185962410-T-A.
Other names: c.3474T>A (NM_031935.2); short protein forms N1158K.
Identifiers: ClinVar variation 2177698 (VCV002177698.5), dbSNP rs748275523, ClinGen allele CA1291726.

ClinVar aggregate classification (germline): Uncertain significance. Review status: criteria provided, multiple submitters, no conflicts (2 of 4 stars). 2 submissions from 2 submitters: Uncertain significance (2). Last evaluated 2024-11-26.

Allele frequency attached by ClinVar (database versions not stated): ExAC 0.00002; TOPMed 0.00002; gnomAD 0.00003; gnomAD exomes 0.00003.
gnomAD v4.1: 42 of 1,613,072 alleles (0.0026%); highest among the groups gnomAD compares: Non-Finnish European, 0.0035%; no homozygotes.

Submissions (2):

Ambry Genetics
Classification: Uncertain significance. Last evaluated: 2024-11-26. Review status: criteria provided, single submitter. Criteria: Ambry Variant Classification Scheme 2023. Collection method: clinical testing. Allele origin: germline.

Labcorp Genetics (formerly Invitae), Labcorp
Classification: Uncertain significance. Last evaluated: 2024-10-03. Review status: criteria provided, single submitter. Criteria: Invitae Variant Classification Sherloc (09022015). Collection method: clinical testing. Allele origin: germline.
Comment: This sequence change replaces asparagine, which is neutral and polar, with lysine, which is basic and polar, at codon 1158 of the HMCN1 protein (p.Asn1158Lys). This variant is present in population databases (rs748275523, gnomAD 0.004%). This variant has not been reported in the literature in individuals affected with HMCN1-related conditions. ClinVar contains an entry for this variant (Variation ID: 2177698). An algorithm developed to predict the effect of missense changes on protein structure and function (PolyPhen-2) suggests that this variant is likely to be disruptive. In summary, the available evidence is currently insufficient to determine the role of this variant in disease. Therefore, it has been classified as a Variant of Uncertain Significance.